The following is an entry in ClinVar:

ClinVar aggregate classification (germline): Uncertain significance (1 of 4 stars; one submission).

gnomAD v4.1: 1 of 1,610,572 alleles (0.000062%); highest among the groups gnomAD compares: Middle Eastern, 0.017%; no homozygotes.

Submission:

Ambry Genetics
Classification: Uncertain significance. Last evaluated: 2024-07-15. Review status: criteria provided, single submitter. Criteria: Ambry Variant Classification Scheme 2023. Collection method: clinical testing. Allele origin: germline.
Comment: The p.M398L variant (also known as c.1192A>T), located in coding exon 8 of the IDH1 gene, results from an A to T substitution at nucleotide position 1192. The methionine at codon 398 is replaced by leucine, an amino acid with highly similar properties. This amino acid position is conserved. In addition, this alteration is predicted to be tolerated by in silico analysis. Since supporting evidence is limited at this time, the clinical significance of this alteration remains unclear.

NM_005896.4(IDH1):c.1192A>T (p.Met398Leu)

Gene: IDH1 (isocitrate dehydrogenase (NADP(+)) 1; minus strand). Cytogenetic location: 2q34.
Variant type: single nucleotide variant.
Coding change: c.1192A>T on transcript NM_005896.4 (MANE Select); coding-DNA position 1192, A replaced by T.
Protein change: p.Met398Leu; replaces methionine 398 with leucine.
Molecular consequence: missense variant.
Genome position (GRCh38, 1-based): chr2:208,237,132, T>A on the plus strand (A>T on the coding strand, the complement: IDH1 is on the minus strand). VCF-style: chr2-208237132-T-A. GRCh37 (hg19) VCF-style: chr2-209101856-T-A.
Other names: c.1192A>T, p.Met398Leu (NM_001282386.1, NM_001282387.1); short protein forms M398L.
Identifiers: ClinVar variation 1745223 (VCV001745223.3), dbSNP rs1687825025, ClinGen allele CA350093591.